The following is an entry in ClinVar:

NM_001142864.4(PIEZO1):c.5557G>A (p.Gly1853Arg)

Gene: PIEZO1 (piezo type mechanosensitive ion channel component 1 (Er blood group); minus strand). Cytogenetic location: 16q24.3.
Variant type: single nucleotide variant.
Coding change: c.5557G>A on transcript NM_001142864.4 (MANE Select); coding-DNA position 5557, G replaced by A.
Protein change: p.Gly1853Arg; replaces glycine 1853 with arginine.
Molecular consequence: missense variant.
Genome position (GRCh38, 1-based): chr16:88,721,277, C>T on the plus strand (G>A on the coding strand, the complement: PIEZO1 is on the minus strand). VCF-style: chr16-88721277-C-T. GRCh37 (hg19) VCF-style: chr16-88787685-C-T.
Other names: c.5557G>A (NM_001142864.2, NM_001142864.3); short protein forms G1853R.
Identifiers: ClinVar variation 1155923 (VCV001155923.13), dbSNP rs367636785, ClinGen allele CA8231845.
Genomic context (GRCh38, chr16:88,721,277, plus strand): 5'-AACGTAGACTGATGCGCCTCGTATCACGGGGCCTGAGCTCCACTTGGGGTTCTGGGGTCC[C>T]GTCCGTGGGTCCGACCCTGGCTTCCACCTGAATGTGGTCTTCGGTGGTGGCCGCAGGCAC-3'
Protein context (NP_001136336.2, residues 1843-1863): QVEARVGPTD[Gly1853Arg]TPEPQVELRP

ClinVar aggregate classification (germline): Conflicting classifications of pathogenicity. Review status: criteria provided, conflicting classifications (1 of 4 stars). 4 submissions from 4 submitters: Uncertain significance (2); Likely benign (1). 1 of the submissions does not count toward it. Last evaluated 2026-01-09.

Conditions:
PIEZO1-related disorder. Also called: PIEZO1-related condition; PIEZO1-Related Disorders.
Inborn genetic diseases. Identifiers: MedGen C0950123, MeSH D030342.

Allele frequency attached by ClinVar (database versions not stated): gnomAD 0.00001; TOPMed 0.00002; ESP Exome Variant Server 0.00022.
gnomAD v4.1: 46 of 1,544,170 alleles (0.003%); highest among the groups gnomAD compares: Admixed American, 0.033%; no homozygotes.

Submissions (4):

Labcorp Genetics (formerly Invitae), Labcorp
Classification: Likely benign. Last evaluated: 2026-01-09. Review status: criteria provided, single submitter. Criteria: Invitae Variant Classification Sherloc (09022015). Collection method: clinical testing. Allele origin: germline.

Ambry Genetics
Classification: Uncertain significance for Inborn genetic diseases. Last evaluated: 2025-02-18. Review status: criteria provided, single submitter. Criteria: Ambry Variant Classification Scheme 2023. Collection method: clinical testing. Allele origin: germline.

Revvity Omics, Revvity
Classification: Uncertain significance. Last evaluated: 2023-03-09. Review status: criteria provided, single submitter. Criteria: ACMG Guidelines, 2015. Collection method: clinical testing. Allele origin: germline.

PreventionGenetics, part of Exact Sciences
Classification: Uncertain significance for PIEZO1-related condition. Last evaluated: 2024-09-17. Review status: no assertion criteria provided. Collection method: clinical testing. Allele origin: germline. Not counted in ClinVar's aggregate classification.
Comment: The PIEZO1 c.5557G>A variant is predicted to result in the amino acid substitution p.Gly1853Arg. To our knowledge, this variant has not been reported in the literature. This variant is reported in 0.055% of alleles in individuals of Latino descent in gnomAD. Although we suspect that this variant may be benign, at this time, the clinical significance of this variant is uncertain due to the absence of conclusive functional and genetic evidence.